The following is an entry in ClinVar:

NM_022915.5(MRPL44):c.648+5G>A

Gene: MRPL44 (mitochondrial ribosomal protein L44; plus strand). Cytogenetic location: 2q36.1.
Variant type: single nucleotide variant.
Coding change: c.648+5G>A on transcript NM_022915.5 (MANE Select); 5 bases into the intron after coding-DNA position 648, G replaced by A.
Molecular consequence: intron variant.
Genome position (GRCh38, 1-based): chr2:223,960,007, G>A. VCF-style: chr2-223960007-G-A. GRCh37 (hg19) VCF-style: chr2-224824724-G-A.
Identifiers: ClinVar variation 1358949 (VCV001358949.6), dbSNP rs139765095, ClinGen allele CA65896819.

ClinVar aggregate classification (germline): Uncertain significance (1 of 4 stars; one submission).

Allele frequency attached by ClinVar (database versions not stated): gnomAD exomes 0.00001 and 0.00002; TOPMed 0.00001; gnomAD 0.00002; 1000 Genomes Project 30x 0.00016; 1000 Genomes Project 0.00020.
gnomAD v4.1: 11 of 1,587,378 alleles (0.00069%); highest among the groups gnomAD compares: East Asian, 0.009%; no homozygotes.

Submission:

Labcorp Genetics (formerly Invitae), Labcorp
Classification: Uncertain significance. Last evaluated: 2021-11-02. Review status: criteria provided, single submitter. Criteria: Invitae Variant Classification Sherloc (09022015). Collection method: clinical testing. Allele origin: germline.
Comment: In summary, the available evidence is currently insufficient to determine the role of this variant in disease. Therefore, it has been classified as a Variant of Uncertain Significance. Variants that disrupt the consensus splice site are a relatively common cause of aberrant splicing (PMID: 17576681, 9536098). Algorithms developed to predict the effect of sequence changes on RNA splicing suggest that this variant may disrupt the consensus splice site. This variant has not been reported in the literature in individuals affected with MRPL44-related conditions. This variant is present in population databases (rs139765095, gnomAD 0.01%). This sequence change falls in intron 2 of the MRPL44 gene. It does not directly change the encoded amino acid sequence of the MRPL44 protein. It affects a nucleotide within the consensus splice site.

Literature cited by the submitters: PubMed 17576681; PubMed 9536098.